The following is an entry in ClinVar:

ClinVar aggregate classification (germline): Uncertain significance (1 of 4 stars; one submission).

Submission:

GeneDx
Classification: Uncertain significance. Last evaluated: 2024-10-28. Review status: criteria provided, single submitter. Criteria: GeneDx Variant Classification Process June 2021. Collection method: clinical testing. Allele origin: germline. Affected: yes.
Comment: Not observed at significant frequency in large population cohorts (gnomAD); In silico analysis supports a deleterious effect on splicing; Has not been previously published as pathogenic or benign to our knowledge

NM_002473.6(MYH9):c.518+4_518+7del

Gene: MYH9 (myosin heavy chain 9; minus strand). Cytogenetic location: 22q12.3.
Variant type: Deletion.
Coding change: c.518+4_518+7del on transcript NM_002473.6 (MANE Select); bases 4 to 7 of the intron after coding-DNA position 518, 4 bases deleted (AGTA; older notation c.518+4_518+7delAGTA).
Molecular consequence: splice donor variant.
Genome position (GRCh38, 1-based): chr22:36,327,454-36,327,457, TACT deleted on the plus strand (AGTA on the coding strand, the reverse complement: MYH9 is on the minus strand); deleting any 4 consecutive bases within chr22:36,327,454-36,327,460 gives the same sequence; the c. name uses the placement nearest the transcript's 3' end. VCF-style (leftmost placement, unchanged base first): chr22-36327453-ATACT-A. GRCh37 (hg19) VCF-style: chr22-36723498-ATACT-A.
Identifiers: ClinVar variation 3893393 (VCV003893393.1).